The following is an entry in ClinVar:

ClinVar aggregate classification (germline): Pathogenic (1 of 4 stars; one submission).

Submission:

Quest Diagnostics Nichols Institute San Juan Capistrano
Classification: Pathogenic. Last evaluated: 2024-03-12. Review status: criteria provided, single submitter. Criteria: ACMG/ClinGen CNV Guidelines, 2019. Collection method: clinical testing. Allele origin: unknown.
Comment: This loss fully overlaps the Xp21 deletion syndromic region (OMIM 300679; Fu 2024, Heide 2015, Koh 2013, Korkut 2016, Sevim 2011, Wikiera 2021), and involves at least 18 protein-coding genes, including DMD (OMIM 300377), IL1RAPL1 (OMIM 300206), NR0B1 (OMIM 300473), and GK (OMIM 300474). Deletions of DMD have been associated with Duchenne muscular dystrophy (DMD; OMIM 310200; HGNC 2928), loss of IL1RAPL1 has been associated with intellectual developmental disorder 21 (XLID21; OMIM 300143; HGNC 5996), loss of NR0B1 has been associated with congenital adrenal hypoplasia with hypogonadotropic hypogonadism (OMIM 300200; HGNC 7960), and loss of GK has been associated with glycerol kinase deficiency (GKD; OMIM 307030; HGNC 4289). Thus, this copy number variant (CNV) is classified as pathogenic. References: Fu et al., J Mass Spectrom Adv Clin Lab. 2024 Feb 20:32:47-49. PMID: 38419979; Heide et al., Eur J Med Genet. 2015 Jun-Jul;58(6-7):341-5. PMID: 25917374; Koh et al., Ann Pediatr Endocrinol Metab. 2013 Jun;18(2):90-4. PMID: 24904859; Korkut et al., J Clin Res Pediatr Endocrinol. 2016 Dec 1;8(4):468-471. PMID: 27087023; Sevim et al., J Pediatr Endocrinol Metab. 2011;24(11-12):1095-8. PMID: 22308874 Wikiera et al., Pediatr Endocrinol Diabetes Metab. 2021;27(3):227-231. PMID: 34743506

GRCh37/hg19 Xp21.3-21.1(chrX:26309498-35255723)x1

Genes: DCAF8L1 (DDB1 and CUL4 associated factor 8 like 1; minus strand), DCAF8L2 (DDB1 and CUL4 associated factor 8 like 2; plus strand), DMD (dystrophin; minus strand), FAM47A (family with sequence similarity 47 member A; minus strand), FAM47B (family with sequence similarity 47 member B; plus strand) and 12 more. Cytogenetic location: Xp21.3-21.1.
Variant type: copy number loss.
Change: copy number 1 of chrX:26,309,498-35,255,723 (8.95 Mb, GRCh37 coordinates, 1-based), cytogenetic band Xp21.3-21.1.
Identifiers: ClinVar variation 3391949 (VCV003391949.1).